The following is an entry in ClinVar:

NM_016284.5(CNOT1):c.2010_2022delinsT (p.Leu671_Val674del)

Gene: CNOT1 (CCR4-NOT transcription complex subunit 1; minus strand). Cytogenetic location: 16q21.
Variant type: Indel.
Coding change: c.2010_2022delinsT on transcript NM_016284.5 (MANE Select); coding-DNA positions 2010 to 2022, CCTCACCATGGTA replaced by T.
Protein change: p.Leu671_Val674del.
Molecular consequence: inframe deletion. On other transcripts: non-coding transcript variant (1).
Genome position (GRCh38, 1-based): chr16:58,560,320-58,560,332, TACCATGGTGAGG replaced by A on the plus strand (CCTCACCATGGTA replaced by T on the coding strand, the reverse complement: CNOT1 is on the minus strand). VCF-style: chr16-58560320-TACCATGGTGAGG-A. GRCh37 (hg19) VCF-style: chr16-58594224-TACCATGGTGAGG-A.
Other names: c.2010_2022delinsT, p.Leu671_Val674del (NM_001265612.2, NM_206999.3).
Identifiers: ClinVar variation 1309079 (VCV001309079.2), dbSNP rs2151942627, ClinGen allele CA2573054248.
Genomic context (GRCh38, chr16:58,560,320, plus strand): 5'-TTTTGGCATAACTCCAGGTGGTGGTTGTCTGGCCTTATTCATAACATTACTGCAATTGGC[TACCATGGTGAGG>A]ATAGTTTCTGATAGCTCCTGAGAAACACTCCTAAAATAGAGGGGAAAAGGTAAAAAATAT-3'

ClinVar aggregate classification (germline): Uncertain significance (1 of 4 stars; one submission).

Submission:

GeneDx
Classification: Uncertain significance. Last evaluated: 2019-10-07. Review status: criteria provided, single submitter. Criteria: GeneDx Variant Classification Process June 2021. Collection method: clinical testing. Allele origin: germline. Affected: yes.
Comment: In-frame deletion of 4 amino acids in a non-repeat region; Not observed in large population cohorts (Lek et al., 2016); Has not been previously published as pathogenic or benign to our knowledge; In silico analysis, which includes protein predictors and evolutionary conservation, supports a deleterious effect